The following is an entry in ClinVar:

ClinVar aggregate classification (germline): Conflicting classifications of pathogenicity. Review status: criteria provided, conflicting classifications (1 of 4 stars). 5 submissions from 5 submitters: Uncertain significance (3); Likely benign (2). Last evaluated 2025-09-14.

Conditions:
Epilepsy, childhood absence, susceptibility to, 1. Also called: Epilepsy, childhood absence 1. Identifiers: Orphanet 64280, MedGen C1838604, MONDO:0020759, OMIM 600131.
Epilepsy, childhood absence, susceptibility to, 5. Identifiers: Orphanet 64280, MedGen C2677087, MONDO:0012843, OMIM 612269.
GABRB3-related disorder. Also called: GABRB3-related condition.
Inborn genetic diseases. Identifiers: MedGen C0950123, MeSH D030342.

Allele frequency attached by ClinVar (database versions not stated): TOPMed 0.00001; gnomAD 0.00002 and 0.00003; gnomAD exomes 0.00002; 1000 Genomes Project 30x 0.00016; 1000 Genomes Project 0.00020; ExAC below 0.00001.
gnomAD v4.1: 35 of 1,474,342 alleles (0.0024%); highest among the groups gnomAD compares: Non-Finnish European, 0.0031%; no homozygotes.

Submissions (5):

Labcorp Genetics (formerly Invitae), Labcorp
Classification: Uncertain significance for Epilepsy, childhood absence, susceptibility to, 5; Epilepsy, childhood absence, susceptibility to, 1. Last evaluated: 2025-09-14. Review status: criteria provided, single submitter. Criteria: Invitae Variant Classification Sherloc (09022015). Collection method: clinical testing. Allele origin: germline.
Comment: This sequence change falls in intron 1 of the GABRB3 gene. It does not directly change the encoded amino acid sequence of the GABRB3 protein. It affects a nucleotide within the consensus splice site. The frequency data for this variant in the population databases is considered unreliable, as metrics indicate poor data quality at this position in the gnomAD database. This variant has not been reported in the literature in individuals affected with GABRB3-related conditions. ClinVar contains an entry for this variant (Variation ID: 511652). Variants that disrupt the consensus splice site are a relatively common cause of aberrant splicing (PMID: 17576681, 9536098). Algorithms developed to predict the effect of sequence changes on RNA splicing suggest that this variant is not likely to affect RNA splicing. In summary, the available evidence is currently insufficient to determine the role of this variant in disease. Therefore, it has been classified as a Variant of Uncertain Significance.

PreventionGenetics, part of Exact Sciences
Classification: Likely benign for GABRB3-related condition. Last evaluated: 2025-04-04. Review status: criteria provided, single submitter. Criteria: ACMG Guidelines, 2015. Collection method: clinical testing. Allele origin: germline.
Comment: This variant is classified as likely benign based on ACMG/AMP sequence variant interpretation guidelines (Richards et al. 2015 PMID: 25741868, with internal and published modifications).

Blueprint Genetics
Classification: Uncertain significance. Last evaluated: 2024-01-19. Review status: criteria provided, single submitter. Criteria: ACMG Guidelines, 2015. Collection method: clinical testing. Allele origin: germline.

GeneDx
Classification: Likely benign. Last evaluated: 2020-02-05. Review status: criteria provided, single submitter. Criteria: GeneDx Variant Classification Process June 2021. Collection method: clinical testing. Allele origin: germline. Affected: yes.

Ambry Genetics
Classification: Uncertain significance for Inborn genetic diseases. Last evaluated: 2017-10-27. Review status: criteria provided, single submitter. Criteria: Ambry Variant Classification Scheme 2023. Collection method: clinical testing. Allele origin: germline.
Comment: The c.80+4G>C intronic variant results from a G to C substitution 4 nucleotides after coding exon 1 in the GABRB3 gene. This nucleotide position is not conserved on limited sequence alignment. Using the BDGP and ESEfinder splice site prediction tools, this alteration is not predicted to have any significant effect on this splice donor site; however, direct evidence is unavailable. Since supporting evidence is limited at this time, the clinical significance of this alteration remains unclear.

Literature cited by the submitters: PubMed 17576681 (cited by Labcorp Genetics (formerly Invitae), Labcorp); PubMed 9536098 (cited by Labcorp Genetics (formerly Invitae), Labcorp).

NM_000814.6(GABRB3):c.80+4G>C

Gene: GABRB3 (gamma-aminobutyric acid type A receptor subunit beta3; minus strand). Cytogenetic location: 15q12.
Variant type: single nucleotide variant.
Coding change: c.80+4G>C on transcript NM_000814.6 (MANE Select); 4 bases into the intron after coding-DNA position 80, G replaced by C.
Molecular consequence: intron variant.
Genome position (GRCh38, 1-based): chr15:26,772,879, C>G on the plus strand (G>C on the coding strand, the complement: GABRB3 is on the minus strand). VCF-style: chr15-26772879-C-G. GRCh37 (hg19) VCF-style: chr15-27018026-C-G.
Other names: c.81-107G>C (NM_021912.5); c.-272+4G>C (NM_001278631.2).
Identifiers: ClinVar variation 511652 (VCV000511652.13), dbSNP rs542737772, ClinGen allele CA7437585.